The following is an entry in ClinVar:

NM_004655.4(AXIN2):c.1070G>A (p.Arg357His)

Gene: AXIN2 (axin 2; minus strand). Cytogenetic location: 17q24.1.
Variant type: single nucleotide variant.
Coding change: c.1070G>A on transcript NM_004655.4 (MANE Select); coding-DNA position 1070, G replaced by A.
Protein change: p.Arg357His; replaces arginine 357 with histidine.
Molecular consequence: missense variant.
Genome position (GRCh38, 1-based): chr17:65,538,333, C>T on the plus strand (G>A on the coding strand, the complement: AXIN2 is on the minus strand). VCF-style: chr17-65538333-C-T. GRCh37 (hg19) VCF-style: chr17-63534451-C-T.
Other names: p.R357H:CGC>CAC; c.1070G>A, p.Arg357His (NM_001363813.1); c.1070G>A (LRG_296t1); short protein forms R357H.
Identifiers: ClinVar variation 182001 (VCV000182001.38), dbSNP rs8081536, ClinGen allele CA298371.
Genomic context (GRCh38, chr17:65,538,333, plus strand): 5'-CTCGAGATCAGCTCAGCTGCAAAGGTGGCGGGTTCCACGGGGGTCATCTCCTTGGGCAGG[C>T]GGTGGGTTCTCTACAGGACGTGGAAAGGAAAGGGAGGAGGCACGTTCAGCAGGCTAGGTG-3'
Protein context (NP_004646.3, residues 347-367): VSLPHFPRTH[Arg357His]LPKEMTPVEP

ClinVar aggregate classification (germline): Conflicting classifications of pathogenicity. Review status: criteria provided, conflicting classifications (1 of 4 stars). 10 submissions from 10 submitters: Uncertain significance (1); Benign (2); Likely benign (7). Last evaluated 2026-02-01.

Conditions:
Oligodontia-cancer predisposition syndrome. Also called: TOOTH AGENESIS-COLORECTAL CANCER SYNDROME. Identifiers: Orphanet 300576, MedGen C1837750, MONDO:0012075, OMIM 608615. Disease mechanism: loss of function.
Colorectal cancer. Also called: Malignant Colorectal Neoplasm; Colorectal cancer, somatic. Identifiers: MedGen C0346629, MONDO:0005575, OMIM 114500.
Hereditary cancer-predisposing syndrome. Also called: Tumor predisposition; Neoplastic Syndromes, Hereditary; Hereditary Cancer Syndrome; Hereditary neoplastic syndrome. Identifiers: Orphanet 140162, MedGen C0027672, MeSH D009386, MONDO:0015356.

Allele frequency attached by ClinVar (database versions not stated): gnomAD exomes 0.00015 and 0.00041; ExAC 0.00053; ESP Exome Variant Server 0.00154; 1000 Genomes Project 30x 0.00156; 1000 Genomes Project 0.00160; gnomAD 0.00160 and 0.00172; TOPMed 0.00162.
gnomAD v4.1: 482 of 1,613,980 alleles (0.03%); highest among the groups gnomAD compares: African/African-American, 0.54%; 4 homozygotes.

Submissions (10):

Labcorp Genetics (formerly Invitae), Labcorp
Classification: Benign for Oligodontia-cancer predisposition syndrome. Last evaluated: 2026-02-01. Review status: criteria provided, single submitter. Criteria: Invitae Variant Classification Sherloc (09022015). Collection method: clinical testing. Allele origin: germline.

Center for Genomic Medicine, Rigshospitalet, Copenhagen University Hospital
Classification: Uncertain significance. Last evaluated: 2025-12-29. Review status: criteria provided, single submitter. Criteria: ACMG Guidelines, 2015. Collection method: clinical testing. Allele origin: germline.

CeGaT Center for Human Genetics Tuebingen
Classification: Likely benign. Last evaluated: 2025-09-01. Review status: criteria provided, single submitter. Criteria: CeGaT Center For Human Genetics Tuebingen Variant Classification Criteria Version 2. Collection method: clinical testing. Allele origin: germline. Affected: yes. Observed: 2 variant alleles.
Comment: AXIN2: BS1

Fulgent Genetics
Classification: Likely benign for Colorectal cancer; Oligodontia-cancer predisposition syndrome. Last evaluated: 2022-01-20. Review status: criteria provided, single submitter. Criteria: ACMG Guidelines, 2015. Collection method: clinical testing. Allele origin: unknown.

Genetic Services Laboratory, University of Chicago
Classification: Likely benign. Last evaluated: 2022-01-04. Review status: criteria provided, single submitter. Criteria: ACMG Guidelines, 2015. Collection method: clinical testing. Allele origin: germline. Affected: no.

Quest Diagnostics Nichols Institute San Juan Capistrano
Classification: Benign. Last evaluated: 2021-07-27. Review status: criteria provided, single submitter. Criteria: Quest Diagnostics criteria. Collection method: clinical testing. Allele origin: unknown.

GeneDx
Classification: Likely benign. Last evaluated: 2021-06-21. Review status: criteria provided, single submitter. Criteria: GeneDx Variant Classification Process June 2021. Collection method: clinical testing. Allele origin: germline. Affected: yes.
Comment: This variant is associated with the following publications: (PMID: 21153778, 27884173)

Sema4
Classification: Likely benign for Hereditary cancer-predisposing syndrome. Last evaluated: 2021-05-18. Review status: criteria provided, single submitter. Criteria: Sema4 Curation Guidelines. Collection method: curation. Allele origin: germline.

Ambry Genetics
Classification: Likely benign for Hereditary cancer-predisposing syndrome. Last evaluated: 2018-10-30. Review status: criteria provided, single submitter. Criteria: Ambry Variant Classification Scheme 2023. Collection method: clinical testing. Allele origin: germline.

Breakthrough Genomics
Classification: Likely benign. Review status: criteria provided, single submitter. Criteria: ACMG Guidelines, 2015. Collection method: not provided. Allele origin: germline. Inheritance: Autosomal dominant inheritance. Affected: yes.